The following is an entry in ClinVar:

ClinVar aggregate classification (germline): Uncertain significance (1 of 4 stars; one submission).

Submission:

Ambry Genetics
Classification: Uncertain significance. Last evaluated: 2024-02-06. Review status: criteria provided, single submitter. Criteria: Ambry Variant Classification Scheme 2023. Collection method: clinical testing. Allele origin: germline.
Comment: The p.F680C variant (also known as c.2039T>G), located in coding exon 14 of the CTNNA3 gene, results from a T to G substitution at nucleotide position 2039. The phenylalanine at codon 680 is replaced by cysteine, an amino acid with highly dissimilar properties. This amino acid position is conserved. In addition, this alteration is predicted to be deleterious by in silico analysis. Based on the available evidence, the clinical significance of this alteration remains unclear.

NM_013266.4(CTNNA3):c.2039T>G (p.Phe680Cys)

Gene: CTNNA3 (catenin alpha 3; minus strand). Cytogenetic location: 10q21.3.
Variant type: single nucleotide variant.
Coding change: c.2039T>G on transcript NM_013266.4 (MANE Select); coding-DNA position 2039, T replaced by G.
Protein change: p.Phe680Cys; replaces phenylalanine 680 with cysteine.
Molecular consequence: missense variant.
Genome position (GRCh38, 1-based): chr10:66,069,428, A>C on the plus strand (T>G on the coding strand, the complement: CTNNA3 is on the minus strand). VCF-style: chr10-66069428-A-C. GRCh37 (hg19) VCF-style: chr10-67829186-A-C.
Other names: c.2039T>G, p.Phe680Cys (NM_001127384.3); short protein forms F680C.
Identifiers: ClinVar variation 3226232 (VCV003226232.1), dbSNP rs2493165157, ClinGen allele CA377089723.